The following is an entry in ClinVar:

ClinVar aggregate classification (germline): Pathogenic. Review status: criteria provided, multiple submitters, no conflicts (2 of 4 stars). 2 submissions from 2 submitters: Pathogenic (2). Last evaluated 2024-04-10.

Conditions:
Hereditary cancer-predisposing syndrome. Also called: Hereditary neoplastic syndrome; Tumor predisposition; Neoplastic Syndromes, Hereditary; Hereditary Cancer Syndrome. Identifiers: Orphanet 140162, MedGen C0027672, MeSH D009386, MONDO:0015356.
Hereditary nonpolyposis colorectal neoplasms. Identifiers: MedGen C0009405, MeSH D003123.

Submissions (2):

Labcorp Genetics (formerly Invitae), Labcorp
Classification: Pathogenic for Hereditary nonpolyposis colorectal neoplasms. Last evaluated: 2024-04-10. Review status: criteria provided, single submitter. Criteria: Invitae Variant Classification Sherloc (09022015). Collection method: clinical testing. Allele origin: germline.
Comment: This sequence change creates a premature translational stop signal (p.Glu422Argfs*26) in the PMS2 gene. It is expected to result in an absent or disrupted protein product. Loss-of-function variants in PMS2 are known to be pathogenic (PMID: 21376568, 24362816). This variant is not present in population databases (gnomAD no frequency). This variant has not been reported in the literature in individuals affected with PMS2-related conditions. For these reasons, this variant has been classified as Pathogenic.

Ambry Genetics
Classification: Pathogenic for Hereditary cancer-predisposing syndrome. Last evaluated: 2024-02-23. Review status: criteria provided, single submitter. Criteria: Ambry Variant Classification Scheme 2023. Collection method: clinical testing. Allele origin: germline.
Comment: The c.1264delG pathogenic mutation, located in coding exon 11 of the PMS2 gene, results from a deletion of one nucleotide at nucleotide position 1264, causing a translational frameshift with a predicted alternate stop codon (p.E422Rfs*26). This variant is considered to be rare based on population cohorts in the Genome Aggregation Database (gnomAD). This alteration is expected to result in loss of function by premature protein truncation or nonsense-mediated mRNA decay. As such, this alteration is interpreted as a disease-causing mutation.

Literature cited by the submitters: PubMed 21376568 (cited by Labcorp Genetics (formerly Invitae), Labcorp); PubMed 24362816 (cited by Labcorp Genetics (formerly Invitae), Labcorp).

NM_000535.7(PMS2):c.1264del (p.Glu422fs)

Gene: PMS2 (PMS1 homolog 2, mismatch repair system component; minus strand). Cytogenetic location: 7p22.1.
Variant type: Deletion.
Coding change: c.1264del on transcript NM_000535.7 (MANE Select); coding-DNA position 1264, one base deleted (G; older notation c.1264delG).
Protein change: p.Glu422fs; shifts the reading frame from glutamic acid 422.
Molecular consequence: frameshift variant. On other transcripts: non-coding transcript variant (1), intron variant (1).
Genome position (GRCh38, 1-based): chr7:5,987,501, C deleted on the plus strand (G on the coding strand, the reverse complement: PMS2 is on the minus strand). VCF-style (leftmost placement, unchanged base first): chr7-5987500-TC-T. GRCh37 (hg19) VCF-style: chr7-6027131-TC-T.
Other names: c.859delG, p.Glu287Argfs (NM_001018040.1); c.859del, p.Glu287fs (NM_001322003.2, NM_001322004.2, NM_001322005.2 and 16 more transcripts); c.1108del, p.Glu370fs (NM_001322006.2, NM_001406870.1); c.946del, p.Glu316fs (NM_001322007.2, NM_001322008.2, NM_001406876.1 and 2 more transcripts); c.703del, p.Glu235fs (NM_001322010.2, NM_001406906.1, NM_001406907.1); c.331del, p.Glu111fs (NM_001322011.2, NM_001322012.2); c.691del, p.Glu231fs (NM_001322013.2, NM_001406909.1); c.1264del, p.Glu422fs (NM_001322014.2, NM_001406871.1, NM_001406872.1); and 14 more; short protein forms E111fs, E264fs, E287fs, E300fs, E310fs, E356fs, E430fs, E231fs.
Identifiers: ClinVar variation 2861020 (VCV002861020.4), dbSNP rs2535823786, ClinGen allele CA2739266253.